The following is an entry in ClinVar:

ClinVar aggregate classification (germline): Pathogenic/Likely pathogenic. Review status: criteria provided, multiple submitters, no conflicts (2 of 4 stars). 5 submissions from 5 submitters: Pathogenic (3); Likely pathogenic (2). Last evaluated 2025-10-03.

Conditions:
Autosomal dominant distal renal tubular acidosis (DRTA1). Also called: RTA, CLASSIC TYPE; RTA, DISTAL TYPE, AUTOSOMAL DOMINANT; RTA, GRADIENT TYPE; RENAL TUBULAR ACIDOSIS, DISTAL, 1; Renal Tubular Acidosis, Type I. Identifiers: Orphanet 93608, MedGen CN280572, MONDO:0008368, OMIM 179800.
Renal tubular acidosis, distal, 4, with hemolytic anemia. Also called: Renal Tubular Acidosis, Distal, with Hemolytic Anemia. Identifiers: Orphanet 93610, MedGen C5436235, MONDO:0012700, OMIM 611590.

Submissions (5):

Rare Kidney Stone Consortium and the Mayo Clinic Hyperoxaluria Center, Mayo Clinic
Classification: Pathogenic for Renal tubular acidosis, distal, 4, with hemolytic anemia; Autosomal dominant distal renal tubular acidosis. Last evaluated: 2025-10-03. Review status: criteria provided, single submitter. Criteria: ACMG Guidelines, 2015. Collection method: research. Allele origin: germline. Affected: yes. Observed: 1 variant allele.
Comment: ACMG:PVS1, PM2, PP3, PP5

Labcorp Genetics (formerly Invitae), Labcorp
Classification: Pathogenic. Last evaluated: 2025-05-28. Review status: criteria provided, single submitter. Criteria: Invitae Variant Classification Sherloc (09022015). Collection method: clinical testing. Allele origin: germline.
Comment: This sequence change creates a premature translational stop signal (p.Trp723*) in the SLC4A1 gene. It is expected to result in an absent or disrupted protein product. Loss-of-function variants in SLC4A1 are known to be pathogenic (PMID: 8943874, 10926824, 23255290). This variant is not present in population databases (gnomAD no frequency). This variant has not been reported in the literature in individuals affected with SLC4A1-related conditions. ClinVar contains an entry for this variant (Variation ID: 994203). For these reasons, this variant has been classified as Pathogenic.

Revvity Omics, Revvity
Classification: Likely pathogenic. Last evaluated: 2024-09-10. Review status: criteria provided, single submitter. Criteria: ACMG Guidelines, 2015. Collection method: clinical testing. Allele origin: germline.

Mayo Clinic Laboratories, Mayo Clinic
Classification: Likely pathogenic. Last evaluated: 2024-07-17. Review status: criteria provided, single submitter. Criteria: ACMG Guidelines, 2015. Collection method: clinical testing. Allele origin: germline.
Comment: PM2_moderate, PVS1

ARUP Laboratories, Molecular Genetics and Genomics, ARUP Laboratories
Classification: Pathogenic. Last evaluated: 2019-12-19. Review status: criteria provided, single submitter. Criteria: ARUP Molecular Germline Variant Investigation Process. Collection method: clinical testing. Allele origin: germline.

Literature cited by the submitters: PubMed 40794449 (cited by Rare Kidney Stone Consortium and the Mayo Clinic Hyperoxaluria Center, Mayo Clinic); PubMed 8943874 (cited by Labcorp Genetics (formerly Invitae), Labcorp); PubMed 10926824 (cited by Labcorp Genetics (formerly Invitae), Labcorp); PubMed 23255290 (cited by Labcorp Genetics (formerly Invitae), Labcorp).

NM_000342.4(SLC4A1):c.2169G>A (p.Trp723Ter)

Gene: SLC4A1 (solute carrier family 4 member 1 (Diego blood group); minus strand). Cytogenetic location: 17q21.31.
Variant type: single nucleotide variant.
Coding change: c.2169G>A on transcript NM_000342.4 (MANE Select); coding-DNA position 2169, G replaced by A.
Protein change: p.Trp723Ter; replaces tryptophan 723 with a stop codon.
Molecular consequence: nonsense.
Genome position (GRCh38, 1-based): chr17:44,253,260, C>T on the plus strand (G>A on the coding strand, the complement: SLC4A1 is on the minus strand). VCF-style: chr17-44253260-C-T. GRCh37 (hg19) VCF-style: chr17-42330628-C-T.
Other names: p.Trp723*; short protein forms W723*.
Identifiers: ClinVar variation 994203 (VCV000994203.15), dbSNP rs2047358814, ClinGen allele CA399781671.